The following is an entry in ClinVar:

NM_030962.4(SBF2):c.1226G>T (p.Ser409Ile)

Gene: SBF2 (SET binding factor 2; minus strand). Cytogenetic location: 11p15.4.
Variant type: single nucleotide variant.
Coding change: c.1226G>T on transcript NM_030962.4 (MANE Select); coding-DNA position 1226, G replaced by T.
Protein change: p.Ser409Ile; replaces serine 409 with isoleucine.
Molecular consequence: missense variant. On other transcripts: intron variant (1).
Genome position (GRCh38, 1-based): chr11:9,992,485, C>A on the plus strand (G>T on the coding strand, the complement: SBF2 is on the minus strand). VCF-style: chr11-9992485-C-A. GRCh37 (hg19) VCF-style: chr11-10014032-C-A.
Other names: c.1226G>T, p.Ser409Ile (NM_001386339.1); c.1167+505G>T (NM_001386342.1); short protein forms S409I.
Identifiers: ClinVar variation 577008 (VCV000577008.7), dbSNP rs1183650459, ClinGen allele CA379636885.

ClinVar aggregate classification (germline): Uncertain significance (1 of 4 stars; one submission).

Conditions:
Charcot-Marie-Tooth disease type 4. Also called: Charcot-Marie-Tooth disease, type IV; Charcot-Marie-Tooth, Type 4. Identifiers: Orphanet 64749, MedGen C4082197, MONDO:0018995.

Allele frequency attached by ClinVar (database versions not stated): TOPMed below 0.00001; gnomAD 0.00001.
gnomAD v4.1: 13 of 1,613,284 alleles (0.00081%); highest among the groups gnomAD compares: Non-Finnish European, 0.00093%; no homozygotes.

Submission:

Labcorp Genetics (formerly Invitae), Labcorp
Classification: Uncertain significance for Charcot-Marie-Tooth disease type 4. Last evaluated: 2022-11-22. Review status: criteria provided, single submitter. Criteria: Invitae Variant Classification Sherloc (09022015). Collection method: clinical testing. Allele origin: germline.
Comment: This variant is present in population databases (no rsID available, gnomAD 0.007%). This sequence change replaces serine, which is neutral and polar, with isoleucine, which is neutral and non-polar, at codon 409 of the SBF2 protein (p.Ser409Ile). This variant has not been reported in the literature in individuals affected with SBF2-related conditions. In summary, the available evidence is currently insufficient to determine the role of this variant in disease. Therefore, it has been classified as a Variant of Uncertain Significance. Advanced modeling of protein sequence and biophysical properties (such as structural, functional, and spatial information, amino acid conservation, physicochemical variation, residue mobility, and thermodynamic stability) performed at Invitae indicates that this missense variant is not expected to disrupt SBF2 protein function. ClinVar contains an entry for this variant (Variation ID: 577008).